The following is an entry in ClinVar:

ClinVar aggregate classification (germline): Uncertain significance (1 of 4 stars; one submission).

gnomAD v4.1: 3 of 1,611,596 alleles (0.00019%); highest among the groups gnomAD compares: Non-Finnish European, 0.00025%; no homozygotes.

Submission:

Labcorp Genetics (formerly Invitae), Labcorp
Classification: Uncertain significance. Last evaluated: 2022-04-12. Review status: criteria provided, single submitter. Criteria: Invitae Variant Classification Sherloc (09022015). Collection method: clinical testing. Allele origin: germline.
Comment: This sequence change replaces histidine, which is basic and polar, with glutamine, which is neutral and polar, at codon 220 of the CLCN7 protein (p.His220Gln). This variant is not present in population databases (gnomAD no frequency). This variant has not been reported in the literature in individuals affected with CLCN7-related conditions. Advanced modeling of protein sequence and biophysical properties (such as structural, functional, and spatial information, amino acid conservation, physicochemical variation, residue mobility, and thermodynamic stability) performed at Invitae indicates that this missense variant is not expected to disrupt CLCN7 protein function. In summary, the available evidence is currently insufficient to determine the role of this variant in disease. Therefore, it has been classified as a Variant of Uncertain Significance.

NM_001287.6(CLCN7):c.660C>A (p.His220Gln)

Gene: CLCN7 (chloride voltage-gated channel 7; minus strand). Cytogenetic location: 16p13.3.
Variant type: single nucleotide variant.
Coding change: c.660C>A on transcript NM_001287.6 (MANE Select); coding-DNA position 660, C replaced by A.
Protein change: p.His220Gln; replaces histidine 220 with glutamine.
Molecular consequence: missense variant.
Genome position (GRCh38, 1-based): chr16:1,459,122, G>T on the plus strand (C>A on the coding strand, the complement: CLCN7 is on the minus strand). VCF-style: chr16-1459122-G-T. GRCh37 (hg19) VCF-style: chr16-1509123-G-T.
Other names: c.588C>A, p.His196Gln (NM_001114331.3); short protein forms H220Q, H196Q.
Identifiers: ClinVar variation 2125715 (VCV002125715.4), dbSNP rs12923538, ClinGen allele CA394191882.